The following is an entry in ClinVar:

ClinVar aggregate classification (germline): Benign/Likely benign. Review status: criteria provided, multiple submitters, no conflicts (2 of 4 stars). 8 submissions from 8 submitters: Benign (4); Likely benign (4). Last evaluated 2026-02-04.

Allele frequency attached by ClinVar (database versions not stated): 1000 Genomes Project 0.00759; 1000 Genomes Project 30x 0.00812; ExAC 0.01185; TOPMed 0.01421; gnomAD exomes 0.01524; gnomAD 0.01547 and 0.01592.
gnomAD v4.1: 31,666 of 1,467,920 alleles (2.2%); highest among the groups gnomAD compares: Non-Finnish European, 2.5%; 411 homozygotes.

Submissions (8):

Labcorp Genetics (formerly Invitae), Labcorp
Classification: Benign. Last evaluated: 2026-02-04. Review status: criteria provided, single submitter. Criteria: Invitae Variant Classification Sherloc (09022015). Collection method: clinical testing. Allele origin: germline.

Blueprint Genetics
Classification: Likely benign. Last evaluated: 2024-11-27. Review status: criteria provided, single submitter. Criteria: ACMG Guidelines, 2015. Collection method: clinical testing. Allele origin: germline.

Mayo Clinic Laboratories, Mayo Clinic
Classification: Benign. Last evaluated: 2024-04-16. Review status: criteria provided, single submitter. Criteria: ACMG Guidelines, 2015. Collection method: clinical testing. Allele origin: germline. Observed: 10 variant alleles.
Comment: BS1, BS2, BP4, BP7

GeneDx
Classification: Likely benign. Last evaluated: 2020-05-26. Review status: criteria provided, single submitter. Criteria: GeneDx Variant Classification Process June 2021. Collection method: clinical testing. Allele origin: germline. Affected: yes.

Genetic Services Laboratory, University of Chicago
Classification: Benign. Last evaluated: 2018-08-06. Review status: criteria provided, single submitter. Criteria: ACMG Guidelines, 2015. Collection method: clinical testing. Allele origin: germline. Affected: no.

Laboratory for Molecular Medicine, Mass General Brigham Personalized Medicine
Classification: Benign. Last evaluated: 2015-08-06. Review status: criteria provided, single submitter. Criteria: LMM Criteria. Collection method: clinical testing. Allele origin: germline. Observed: 4 variant alleles.
Comment: p.His122His in exon 2 of BLOC1S3: This variant is not expected to have clinical significance because it does not alter an amino acid residue and is not located within the splice consensus sequence. It has been identified in 1.7% (35/2034) o f European chromosomes by the Exome Aggregation Consortium (ExAC; dbSNP rs571269735).

Breakthrough Genomics
Classification: Likely benign. Review status: criteria provided, single submitter. Criteria: ACMG Guidelines, 2015. Collection method: not provided. Allele origin: germline. Inheritance: Autosomal recessive inheritance. Affected: yes.

PreventionGenetics, part of Exact Sciences
Classification: Likely benign. Review status: criteria provided, single submitter. Criteria: ACMG Guidelines, 2015. Collection method: clinical testing. Allele origin: germline.

NM_212550.5(BLOC1S3):c.366C>T (p.His122=)

Gene: BLOC1S3 (biogenesis of lysosomal organelles complex 1 subunit 3; plus strand). Cytogenetic location: 19q13.32.
Variant type: single nucleotide variant.
Coding change: c.366C>T on transcript NM_212550.5 (MANE Select); coding-DNA position 366, C replaced by T.
Protein change: p.His122=; no amino-acid change (histidine 122 retained).
Molecular consequence: synonymous variant.
Genome position (GRCh38, 1-based): chr19:45,179,662, C>T. VCF-style: chr19-45179662-C-T. GRCh37 (hg19) VCF-style: chr19-45682920-C-T.
Other names: p.His122=.
Identifiers: ClinVar variation 162792 (VCV000162792.22), dbSNP rs571269735, ClinGen allele CA175330.